The following is an entry in ClinVar:

NM_003742.4(ABCB11):c.2077G>C (p.Ala693Pro)

Gene: ABCB11 (ATP binding cassette subfamily B member 11; minus strand). Cytogenetic location: 2q31.1.
Variant type: single nucleotide variant.
Coding change: c.2077G>C on transcript NM_003742.4 (MANE Select); coding-DNA position 2077, G replaced by C.
Protein change: p.Ala693Pro; replaces alanine 693 with proline.
Molecular consequence: missense variant.
Genome position (GRCh38, 1-based): chr2:168,964,307, C>G on the plus strand (G>C on the coding strand, the complement: ABCB11 is on the minus strand). VCF-style: chr2-168964307-C-G. GRCh37 (hg19) VCF-style: chr2-169820817-C-G.
Other names: c.2077G>C (NM_003742.2); short protein forms A693P.
Identifiers: ClinVar variation 2679692 (VCV002679692.7), dbSNP rs748837264, ClinGen allele CA1951372.

ClinVar aggregate classification (germline): Conflicting classifications of pathogenicity. Review status: criteria provided, conflicting classifications (1 of 4 stars). 5 submissions from 5 submitters: Likely pathogenic (1); Uncertain significance (3). 1 of the submissions does not count toward it. Last evaluated 2026-04-14.

Conditions:
Benign recurrent intrahepatic cholestasis type 2 (BRIC2). Also called: Recurrent familial intrahepatic cholestasis 2. Identifiers: Orphanet 65682, Orphanet 99961, MedGen C2608083, MONDO:0011559, OMIM 605479.
Progressive familial intrahepatic cholestasis type 2. Identifiers: Orphanet 79304, MedGen C3489789, MONDO:0011156, OMIM 601847.
ABCB11-related disorder. Also called: ABCB11-related condition.
Familial intrahepatic cholestasis. Identifiers: Orphanet 284385, MedGen CN296401, MONDO:0017290.

Submissions (5):

Genomenon, Inc
Classification: Uncertain significance for Familial intrahepatic cholestasis. Last evaluated: 2026-04-14. Review status: criteria provided, single submitter. Criteria: Genomenon Sequence Variant Interpretation Standards - Updated. Collection method: curation. Allele origin: germline. Affected: no.
Comment: ABCB11 p.Ala693Pro (c.2077G>C) is a missense variant that changes the amino acid at residue 693 from Alanine to Proline. This variant has been reported in the published literature (PMID:32808743). It is absent or not present at a significant frequency in gnomAD. In conclusion, we classify ABCB11 p.Ala693Pro (c.2077G>C) as a variant of uncertain significance.

Broad Center for Mendelian Genomics, Broad Institute of MIT and Harvard
Classification: Uncertain significance for Progressive familial intrahepatic cholestasis type 2. Last evaluated: 2025-01-24. Review status: criteria provided, single submitter. Criteria: ACMG Guidelines, 2015. Collection method: curation. Allele origin: germline. Inheritance: Autosomal recessive inheritance.
Comment: The p.Ala693Pro variant in ABCB11 has not been previously reported in the literature in individuals with BSEP deficiency, but has been identified in in 0.08% (28/36754) of East Asian chromosomes by the Genome Aggregation Database (gnomAD; dbSNP rs748837264). Although this variant has been seen in the general population in a heterozygous state, its frequency is not high enough to rule out a pathogenic role. Computational prediction tools and conservation analyses do not provide strong support for or against an impact to the protein. In summary, the clinical significance of the p.Ala693Pro variant is uncertain. ACMG/AMP Criteria applied: none (Richards 2015).

Baylor Genetics
Classification: Likely pathogenic for Benign recurrent intrahepatic cholestasis type 2. Last evaluated: 2024-03-28. Review status: criteria provided, single submitter. Criteria: ACMG Guidelines, 2015. Collection method: clinical testing. Allele origin: unknown.

Juno Genomics, Hangzhou Juno Genomics, Inc
Classification: Uncertain significance for Benign recurrent intrahepatic cholestasis type 2; Progressive familial intrahepatic cholestasis type 2. Review status: criteria provided, single submitter. Criteria: ACMG Guidelines, 2015. Collection method: clinical testing. Allele origin: germline.
Comment: Absent from controls (or at extremely low frequency if recessive) in Genome Aggregation Database.;For recessive disorders, detected in trans with a pathogenic variant.;Patient's phenotype or family history is highly specific for a disease with a single genetic etiology.

PreventionGenetics, part of Exact Sciences
Classification: Uncertain significance for ABCB11-related condition. Last evaluated: 2024-05-21. Review status: no assertion criteria provided. Collection method: clinical testing. Allele origin: germline. Not counted in ClinVar's aggregate classification.
Comment: The ABCB11 c.2077G>C variant is predicted to result in the amino acid substitution p.Ala693Pro. This variant was reported along with a second pathogenic ABCB11 variant in an individual with transient neonatal cholestasis (Li et al 2020. PubMed ID: 32808743). This variant is reported in 0.025% of alleles in individuals of East Asian descent in gnomAD. At this time, the clinical significance of this variant is uncertain due to the absence of conclusive functional and genetic evidence.

Literature cited by the submitters: PubMed 32808743 (cited by Genomenon, Inc).